The following is an entry in ClinVar:

ClinVar aggregate classification (germline): Uncertain significance (1 of 4 stars; one submission).

Conditions:
Pierson syndrome. Also called: MICROCORIA-CONGENITAL NEPHROTIC SYNDROME. Identifiers: Orphanet 2670, MedGen C1836876, MONDO:0012184, OMIM 609049.
LAMB2-related infantile-onset nephrotic syndrome. Also called: Nephrotic Syndrome, type 5; NEPHROTIC SYNDROME, TYPE 5, WITHOUT OCULAR ABNORMALITIES; NEPHROTIC SYNDROME, TYPE 5, WITH OCULAR ABNORMALITIES. Identifiers: Orphanet 306507, MedGen C3280113, MONDO:0013621, OMIM 614199.

Submission:

Labcorp Genetics (formerly Invitae), Labcorp
Classification: Uncertain significance for LAMB2-related infantile-onset nephrotic syndrome; Pierson syndrome. Last evaluated: 2022-01-17. Review status: criteria provided, single submitter. Criteria: Invitae Variant Classification Sherloc (09022015). Collection method: clinical testing. Allele origin: germline.
Comment: This variant has not been reported in the literature in individuals affected with LAMB2-related conditions. This variant is not present in population databases (gnomAD no frequency). This sequence change replaces alanine, which is neutral and non-polar, with valine, which is neutral and non-polar, at codon 1281 of the LAMB2 protein (p.Ala1281Val). Algorithms developed to predict the effect of missense changes on protein structure and function (SIFT, PolyPhen-2, Align-GVGD) all suggest that this variant is likely to be tolerated. In summary, the available evidence is currently insufficient to determine the role of this variant in disease. Therefore, it has been classified as a Variant of Uncertain Significance. Algorithms developed to predict the effect of sequence changes on RNA splicing suggest that this variant may create or strengthen a splice site.

NM_002292.4(LAMB2):c.3842C>T (p.Ala1281Val)

Gene: LAMB2 (laminin subunit beta 2; minus strand). Cytogenetic location: 3p21.31.
Variant type: single nucleotide variant.
Coding change: c.3842C>T on transcript NM_002292.4 (MANE Select); coding-DNA position 3842, C replaced by T.
Protein change: p.Ala1281Val; replaces alanine 1281 with valine.
Molecular consequence: missense variant.
Genome position (GRCh38, 1-based): chr3:49,123,587, G>A on the plus strand (C>T on the coding strand, the complement: LAMB2 is on the minus strand). VCF-style: chr3-49123587-G-A. GRCh37 (hg19) VCF-style: chr3-49161020-G-A.
Other names: short protein forms A1281V.
Identifiers: ClinVar variation 2147824 (VCV002147824.4), dbSNP rs2472535876, ClinGen allele CA352699953.